The following is an entry in ClinVar:

NM_020843.4(SCAPER):c.2674A>G (p.Thr892Ala)

Gene: SCAPER (S-phase cyclin A associated protein in the ER; minus strand). Cytogenetic location: 15q24.3.
Variant type: single nucleotide variant.
Coding change: c.2674A>G on transcript NM_020843.4 (MANE Select); coding-DNA position 2674, A replaced by G.
Protein change: p.Thr892Ala; replaces threonine 892 with alanine.
Molecular consequence: missense variant. On other transcripts: non-coding transcript variant (1).
Genome position (GRCh38, 1-based): chr15:76,621,801, T>C on the plus strand (A>G on the coding strand, the complement: SCAPER is on the minus strand). VCF-style: chr15-76621801-T-C. GRCh37 (hg19) VCF-style: chr15-76914142-T-C.
Other names: c.1936A>G, p.Thr646Ala (NM_001145923.2); c.2692A>G, p.Thr898Ala (NM_001353009.2); c.2272A>G, p.Thr758Ala (NM_001353010.2, NM_001353012.2); c.2290A>G, p.Thr764Ala (NM_001353011.2); short protein forms T892A, T646A, T758A, T764A, T898A.
Identifiers: ClinVar variation 4990691 (VCV004990691.1).

ClinVar aggregate classification (germline): Uncertain significance (1 of 4 stars; one submission).

Conditions:
SCAPER-related disorder. Also called: SCAPER-related condition.

gnomAD v4.1: 15 of 1,607,864 alleles (0.00093%); highest among the groups gnomAD compares: African/African-American, 0.02%; no homozygotes.

Submission:

PreventionGenetics, part of Exact Sciences
Classification: Uncertain significance for SCAPER-related condition. Last evaluated: 2026-05-12. Review status: criteria provided, single submitter. Criteria: ACMG Guidelines, 2015. Collection method: clinical testing. Allele origin: germline.
Comment: The SCAPER c.2692A>G variant is predicted to result in the amino acid substitution p.Thr898Ala. To our knowledge, this variant has not been reported in the literature. This variant is reported in 0.030% of alleles in individuals of African descent in gnomAD. At this time, the clinical significance of this variant is uncertain due to the absence of conclusive functional and genetic evidence.